The following is an entry in ClinVar:

ClinVar aggregate classification (germline): Uncertain significance. Review status: criteria provided, multiple submitters, no conflicts (2 of 4 stars). 2 submissions from 2 submitters: Uncertain significance (2). Last evaluated 2025-01-06.

Allele frequency attached by ClinVar (database versions not stated): gnomAD exomes below 0.00001; TOPMed below 0.00001; gnomAD 0.00001.
gnomAD v4.1: 6 of 1,613,970 alleles (0.00037%); highest among the groups gnomAD compares: South Asian, 0.0022%; no homozygotes.

Submissions (2):

Labcorp Genetics (formerly Invitae), Labcorp
Classification: Uncertain significance. Last evaluated: 2025-01-06. Review status: criteria provided, single submitter. Criteria: Invitae Variant Classification Sherloc (09022015). Collection method: clinical testing. Allele origin: germline.
Comment: This sequence change replaces glycine, which is neutral and non-polar, with aspartic acid, which is acidic and polar, at codon 1543 of the USH2A protein (p.Gly1543Asp). This variant is present in population databases (no rsID available, gnomAD 0.003%). This variant has not been reported in the literature in individuals affected with USH2A-related conditions. ClinVar contains an entry for this variant (Variation ID: 1906071). An algorithm developed to predict the effect of missense changes on protein structure and function (PolyPhen-2) suggests that this variant is likely to be disruptive. Algorithms developed to predict the effect of sequence changes on RNA splicing suggest that this variant may disrupt the consensus splice site. In summary, the available evidence is currently insufficient to determine the role of this variant in disease. Therefore, it has been classified as a Variant of Uncertain Significance.

Blueprint Genetics
Classification: Uncertain significance. Last evaluated: 2024-05-03. Review status: criteria provided, single submitter. Criteria: ACMG Guidelines, 2015. Collection method: clinical testing. Allele origin: germline.

NM_206933.4(USH2A):c.4628G>A (p.Gly1543Asp)

Gene: USH2A (usherin; minus strand). Cytogenetic location: 1q41.
Variant type: single nucleotide variant.
Coding change: c.4628G>A on transcript NM_206933.4 (MANE Select); coding-DNA position 4628, G replaced by A.
Protein change: p.Gly1543Asp; replaces glycine 1543 with aspartic acid.
Molecular consequence: missense variant.
Genome position (GRCh38, 1-based): chr1:216,097,213, C>T on the plus strand (G>A on the coding strand, the complement: USH2A is on the minus strand). VCF-style: chr1-216097213-C-T. GRCh37 (hg19) VCF-style: chr1-216270555-C-T.
Other names: short protein forms G1543D.
Identifiers: ClinVar variation 1906071 (VCV001906071.6), dbSNP rs1185983656, ClinGen allele CA344861478.